The following is an entry in ClinVar:

ClinVar aggregate classification (germline): Uncertain significance. Review status: criteria provided, single submitter (1 of 4 stars). 2 submissions from 2 submitters: Uncertain significance (1). 1 of the submissions does not count toward it. Last evaluated 2023-07-17.

Conditions:
NOTCH2-related disorder. Also called: NOTCH2-related condition.
Hajdu-Cheney syndrome (HJCYS). Also called: ACROOSTEOLYSIS WITH OSTEOPOROSIS AND CHANGES IN SKULL AND MANDIBLE; SERPENTINE FIBULA-POLYCYSTIC KIDNEY SYNDROME; Acroosteolysis dominant type. Identifiers: Orphanet 955, MedGen C0917715, MONDO:0007057, OMIM 102500.

Allele frequency attached by ClinVar (database versions not stated): gnomAD exomes 0.00001.
gnomAD v4.1: 10 of 1,614,178 alleles (0.00062%); highest among the groups gnomAD compares: Non-Finnish European, 0.00085%; no homozygotes.

Submissions (2):

Victorian Clinical Genetics Services, Murdoch Childrens Research Institute
Classification: Uncertain significance for Hajdu-Cheney syndrome. Last evaluated: 2023-07-17. Review status: criteria provided, single submitter. Criteria: ACMG Guidelines, 2015. Collection method: clinical testing. Allele origin: germline. Inheritance: Autosomal dominant inheritance. Affected: yes.
Comment: Based on the classification scheme VCGS_Germline_v1.3.4, this variant is classified as VUS-3C. Following criteria are met: 0103 - Loss of function and gain of function are known mechanisms of disease in this gene and are associated with Alagille syndrome 2 (MIM#610205), and Hajdu-Cheney syndrome (MIM#102500), respectively. Missense variants and those predicted to result in nonsense-mediated decay, have been associated with Alagille syndrome 2, whereas truncating variants in the last exon have been known to cause Hajdu-Cheney syndrome (OMIM, PMID: 28941602). (I) 0107 - This gene is associated with autosomal dominant disease. (I) 0200 - Variant is predicted to result in a missense amino acid change from phenylalanine to leucine. (I) 0251 - This variant is heterozygous. (I) 0301 - Variant is absent from gnomAD (both v2 and v3). (SP) 0502 - Missense variant with conflicting in silico predictions and uninformative conservation. (I) 0600 - Variant is located in the annotated EGF-like 22 domain (UniProt, DECIPHER). (I) 0705 - No comparable missense variants have previous evidence for pathogenicity. (I) 0807 - This variant has no previous evidence of pathogenicity. (I) 0904 - Non-segregation of this variant with the phenotype under investigation has been clearly demonstrated. (SB) 1007 - No published functional evidence has been identified for this variant. (I) Legend: (SP) - Supporting pathogenic, (I) - Information, (SB) - Supporting benign

PreventionGenetics, part of Exact Sciences
Classification: Uncertain significance for NOTCH2-related condition. Last evaluated: 2023-11-03. Review status: no assertion criteria provided. Collection method: clinical testing. Allele origin: germline. Not counted in ClinVar's aggregate classification.
Comment: The NOTCH2 c.2560T>C variant is predicted to result in the amino acid substitution p.Phe854Leu. To our knowledge, this variant has not been reported in the literature or in a large population database, indicating this variant is rare. At this time, the clinical significance of this variant is uncertain due to the absence of conclusive functional and genetic evidence.

Literature cited by the submitters: PubMed 28941602 (cited by Victorian Clinical Genetics Services, Murdoch Childrens Research Institute).

NM_024408.4(NOTCH2):c.2560T>C (p.Phe854Leu)

Gene: NOTCH2 (notch receptor 2; minus strand). Cytogenetic location: 1p12.
Variant type: single nucleotide variant.
Coding change: c.2560T>C on transcript NM_024408.4 (MANE Select); coding-DNA position 2560, T replaced by C.
Protein change: p.Phe854Leu; replaces phenylalanine 854 with leucine.
Molecular consequence: missense variant.
Genome position (GRCh38, 1-based): chr1:119,949,046, A>G on the plus strand (T>C on the coding strand, the complement: NOTCH2 is on the minus strand). VCF-style: chr1-119949046-A-G. GRCh37 (hg19) VCF-style: chr1-120491669-A-G.
Other names: c.2560T>C, p.Phe854Leu (NM_001200001.2); short protein forms F854L.
Identifiers: ClinVar variation 1699294 (VCV001699294.5), dbSNP rs1650363387, ClinGen allele CA341859105.